The following is an entry in ClinVar:

NM_000278.5(PAX2):c.297T>G (p.Ile99Met)

Gene: PAX2 (paired box 2; plus strand). Cytogenetic location: 10q24.31.
Variant type: single nucleotide variant.
Coding change: c.297T>G on transcript NM_000278.5 (MANE Select); coding-DNA position 297, T replaced by G.
Protein change: p.Ile99Met; replaces isoleucine 99 with methionine.
Molecular consequence: missense variant.
Genome position (GRCh38, 1-based): chr10:100,750,778, T>G. VCF-style: chr10-100750778-T-G. GRCh37 (hg19) VCF-style: chr10-102510535-T-G.
Other names: c.297T>G, p.Ile99Met (NM_003987.5, NM_003988.5, NM_003989.5 and 1 more transcripts); c.390T>G, p.Ile130Met (NM_001304569.2); short protein forms I130M, I99M.
Identifiers: ClinVar variation 3756412 (VCV003756412.2).

ClinVar aggregate classification (germline): Uncertain significance (1 of 4 stars; one submission).

Conditions:
Renal coloboma syndrome (PAPRS). Also called: PAPILLORENAL SYNDROME; COLOBOMA OF OPTIC NERVE WITH RENAL DISEASE; OPTIC COLOBOMA, VESICOURETERAL REFLUX, AND RENAL ANOMALIES; OPTIC NERVE COLOBOMA WITH RENAL DISEASE; RENAL-COLOBOMA SYNDROME WITH MACULAR ABNORMALITIES; PAPILLORENAL SYNDROME WITH MILD OCULAR ABNORMALITIES. Identifiers: Orphanet 1475, MedGen C1852759, MONDO:0007352, OMIM 120330.
Focal segmental glomerulosclerosis 7 (FSGS7). Identifiers: Orphanet 656, MedGen C4014925, MONDO:0014451, OMIM 616002.

gnomAD v4.1: 2 of 1,614,170 alleles (0.00012%); highest among the groups gnomAD compares: Non-Finnish European, 0.00017%; no homozygotes.

Submission:

Labcorp Genetics (formerly Invitae), Labcorp
Classification: Uncertain significance for Renal coloboma syndrome; Focal segmental glomerulosclerosis 7. Last evaluated: 2024-05-18. Review status: criteria provided, single submitter. Criteria: Invitae Variant Classification Sherloc (09022015). Collection method: clinical testing. Allele origin: germline.
Comment: This sequence change replaces isoleucine, which is neutral and non-polar, with methionine, which is neutral and non-polar, at codon 99 of the PAX2 protein (p.Ile99Met). This variant is not present in population databases (gnomAD no frequency). This variant has not been reported in the literature in individuals affected with PAX2-related conditions. Experimental studies and prediction algorithms are not available or were not evaluated, and the functional significance of this variant is currently unknown. In summary, the available evidence is currently insufficient to determine the role of this variant in disease. Therefore, it has been classified as a Variant of Uncertain Significance.